The following is an entry in ClinVar:

NM_003072.5(SMARCA4):c.2241G>A (p.Ala747=)

Gene: SMARCA4 (SWI/SNF related BAF chromatin remodeling complex subunit ATPase 4; plus strand). Cytogenetic location: 19p13.2.
Variant type: single nucleotide variant.
Coding change: c.2241G>A on transcript NM_003072.5 (MANE Select); coding-DNA position 2241, G replaced by A.
Protein change: p.Ala747=; no amino-acid change (alanine 747 retained).
Molecular consequence: synonymous variant. On other transcripts: non-coding transcript variant (1).
Genome position (GRCh38, 1-based): chr19:11,010,498, G>A. VCF-style: chr19-11010498-G-A. GRCh37 (hg19) VCF-style: chr19-11121174-G-A.
Other names: c.2241G>A, p.Ala747= (NM_001128844.3, NM_001128845.2, NM_001128846.2 and 5 more transcripts).
Identifiers: ClinVar variation 470294 (VCV000470294.17), dbSNP rs1236572142, ClinGen allele CA505487448.

ClinVar aggregate classification (germline): Benign/Likely benign. Review status: criteria provided, multiple submitters, no conflicts (2 of 4 stars). 3 submissions from 3 submitters: Benign (1); Likely benign (2). Last evaluated 2026-07-13.

Conditions:
Rhabdoid tumor predisposition syndrome 2 (RTPS2). Identifiers: Orphanet 231108, Orphanet 69077, MedGen C2750074, MONDO:0013224, OMIM 613325.
Hereditary cancer-predisposing syndrome. Also called: Hereditary Cancer Syndrome; Hereditary neoplastic syndrome; Neoplastic Syndromes, Hereditary; Tumor predisposition. Identifiers: Orphanet 140162, MedGen C0027672, MeSH D009386, MONDO:0015356.

Allele frequency attached by ClinVar (database versions not stated): TOPMed 0.00001; gnomAD 0.00001.
gnomAD v4.1: 6 of 1,613,934 alleles (0.00037%); highest among the groups gnomAD compares: Non-Finnish European, 0.00042%; no homozygotes.

Submissions (3):

Myriad Genetics, Inc.
Classification: Benign for Rhabdoid tumor predisposition syndrome 2. Last evaluated: 2026-07-13. Review status: criteria provided, single submitter. Criteria: Myriad Autosomal Dominant, Autosomal Recessive and X-Linked Classification Criteria (2023). Collection method: clinical testing. Allele origin: unknown.
Comment: This variant is considered benign. This variant is a silent/synonymous amino acid change and it is not expected to impact splicing.

Labcorp Genetics (formerly Invitae), Labcorp
Classification: Likely benign for Rhabdoid tumor predisposition syndrome 2. Last evaluated: 2026-01-04. Review status: criteria provided, single submitter. Criteria: Invitae Variant Classification Sherloc (09022015). Collection method: clinical testing. Allele origin: germline.

Ambry Genetics
Classification: Likely benign for Hereditary cancer-predisposing syndrome. Last evaluated: 2018-07-11. Review status: criteria provided, single submitter. Criteria: Ambry Variant Classification Scheme 2023. Collection method: clinical testing. Allele origin: germline.